The following is an entry in ClinVar:

NM_001369.3(DNAH5):c.11970del (p.Asp3992fs)

Gene: DNAH5 (dynein axonemal heavy chain 5; minus strand). Cytogenetic location: 5p15.2.
Variant type: Deletion.
Coding change: c.11970del on transcript NM_001369.3 (MANE Select); coding-DNA position 11970, one base deleted (T; older notation c.11970delT).
Protein change: p.Asp3992fs; shifts the reading frame from aspartic acid 3992.
Molecular consequence: frameshift variant.
Genome position (GRCh38, 1-based): chr5:13,727,570, A deleted on the plus strand (T on the coding strand, the reverse complement: DNAH5 is on the minus strand). VCF-style (leftmost placement, unchanged base first): chr5-13727569-GA-G. GRCh37 (hg19) VCF-style: chr5-13727678-GA-G.
Other names: short protein forms D3992fs.
Identifiers: ClinVar variation 1976122 (VCV001976122.5), dbSNP rs778289775, ClinGen allele CA3201781.

ClinVar aggregate classification (germline): Pathogenic (1 of 4 stars; one submission).

Conditions:
Primary ciliary dyskinesia. Also called: Ciliary dyskinesia. Identifiers: Orphanet 244, MedGen C0008780, MONDO:0016575, HP:0012265.

Allele frequency attached by ClinVar (database versions not stated): gnomAD exomes below 0.00001; ExAC 0.00001.

Submission:

Labcorp Genetics (formerly Invitae), Labcorp
Classification: Pathogenic for Primary ciliary dyskinesia. Last evaluated: 2025-09-28. Review status: criteria provided, single submitter. Criteria: Invitae Variant Classification Sherloc (09022015). Collection method: clinical testing. Allele origin: germline.
Comment: This sequence change creates a premature translational stop signal (p.Asp3992Thrfs*39) in the DNAH5 gene. It is expected to result in an absent or disrupted protein product. Loss-of-function variants in DNAH5 are known to be pathogenic (PMID: 11788826, 16627867). This variant is present in population databases (rs778289775, gnomAD 0.003%). This variant has not been reported in the literature in individuals affected with DNAH5-related conditions. ClinVar contains an entry for this variant (Variation ID: 1976122). For these reasons, this variant has been classified as Pathogenic.

Literature cited by the submitters: PubMed 11788826; PubMed 16627867.